The following is an entry in ClinVar:

ClinVar aggregate classification (germline): Uncertain significance (1 of 4 stars; one submission).

gnomAD v4.1: 3 of 1,613,236 alleles (0.00019%); highest among the groups gnomAD compares: African/African-American, 0.0013%; no homozygotes.

Submission:

GeneDx
Classification: Uncertain significance. Last evaluated: 2025-02-25. Review status: criteria provided, single submitter. Criteria: GeneDx Variant Classification Process June 2021. Collection method: clinical testing. Allele origin: germline. Affected: yes.
Comment: Has not been previously published as pathogenic or benign to our knowledge; Not observed at significant frequency in large population cohorts (gnomAD); In silico analysis indicates that this missense variant does not alter protein structure/function

NM_033118.4(MYLK2):c.943G>A (p.Val315Ile)

Gene: MYLK2 (myosin light chain kinase 2; plus strand). Cytogenetic location: 20q11.21.
Variant type: single nucleotide variant.
Coding change: c.943G>A on transcript NM_033118.4 (MANE Select); coding-DNA position 943, G replaced by A.
Protein change: p.Val315Ile; replaces valine 315 with isoleucine.
Molecular consequence: missense variant.
Genome position (GRCh38, 1-based): chr20:31,824,323, G>A. VCF-style: chr20-31824323-G-A. GRCh37 (hg19) VCF-style: chr20-30412126-G-A.
Other names: short protein forms V315I.
Identifiers: ClinVar variation 4076811 (VCV004076811.1).